The following is an entry in ClinVar:

NM_001040105.2(MUC17):c.1911C>T (p.Ser637=)

Gene: MUC17 (mucin 17, cell surface associated; plus strand). Cytogenetic location: 7q22.1.
Variant type: single nucleotide variant.
Coding change: c.1911C>T on transcript NM_001040105.2 (MANE Select); coding-DNA position 1911, C replaced by T.
Protein change: p.Ser637=; no amino-acid change (serine 637 retained).
Molecular consequence: synonymous variant. On other transcripts: non-coding transcript variant (1).
Genome position (GRCh38, 1-based): chr7:101,033,327, C>T. VCF-style: chr7-101033327-C-T. GRCh37 (hg19) VCF-style: chr7-100676608-C-T.
Identifiers: ClinVar variation 2657838 (VCV002657838.24), dbSNP rs766165527, ClinGen allele CA4401167.

ClinVar aggregate classification (germline): Likely benign (1 of 4 stars; one submission).

Allele frequency attached by ClinVar (database versions not stated): ExAC 0.00002; TOPMed 0.00002; gnomAD exomes 0.00003.
gnomAD v4.1: 37 of 1,613,818 alleles (0.0023%); highest among the groups gnomAD compares: Middle Eastern, 0.016%; no homozygotes.

Submission:

CeGaT Center for Human Genetics Tuebingen
Classification: Likely benign. Last evaluated: 2022-10-01. Review status: criteria provided, single submitter. Criteria: CeGaT Center For Human Genetics Tuebingen Variant Classification Criteria Version 2. Collection method: clinical testing. Allele origin: germline. Affected: yes. Observed: 1 variant allele.
Comment: MUC17: BP4, BP7